The following is an entry in ClinVar:

ClinVar aggregate classification (germline): Uncertain significance (1 of 4 stars; one submission).

Allele frequency attached by ClinVar (database versions not stated): gnomAD exomes below 0.00001.
gnomAD v4.1: 4 of 1,614,204 alleles (0.00025%); highest among the groups gnomAD compares: Non-Finnish European, 0.00034%; no homozygotes.

Submissions (2):

CeGaT Center for Human Genetics Tuebingen
Classification: Uncertain significance. Last evaluated: 2025-05-01. Review status: criteria provided, single submitter. Criteria: CeGaT Center For Human Genetics Tuebingen Variant Classification Criteria Version 2. Collection method: clinical testing. Allele origin: germline. Affected: yes. Observed: 2 variant alleles.
Comment: AFG2A: PM2, PM3:Supporting, PP3

Dr. Peter K. Rogan Lab, Western University
No classification provided (evidence only). Condition: Papillary renal cell carcinoma type 1. Review status: no classification provided. Collection method: in vitro. Allele origin: not applicable. Functional consequence: retained intron. Not counted in ClinVar's aggregate classification.

NM_145207.3(AFG2A):c.934T>G (p.Phe312Val)

Gene: AFG2A (AAA ATPase AFG2A; plus strand). Cytogenetic location: 4q28.1.
Variant type: single nucleotide variant.
Coding change: c.934T>G on transcript NM_145207.3 (MANE Select); coding-DNA position 934, T replaced by G.
Protein change: p.Phe312Val; replaces phenylalanine 312 with valine.
Molecular consequence: missense variant.
Genome position (GRCh38, 1-based): chr4:122,934,525, T>G. VCF-style: chr4-122934525-T-G. GRCh37 (hg19) VCF-style: chr4-123855680-T-G.
Other names: NC_000004.11:g.123855680T>G; c.931T>G, p.Phe311Val (NM_001317799.2, NM_001345856.2); short protein forms F311V, F312V.
Identifiers: ClinVar variation 1695106 (VCV001695106.32), dbSNP rs2125738492, ClinGen allele CA358102585.